The following is an entry in ClinVar:

NM_014140.4(SMARCAL1):c.1936dup (p.Leu646fs)

Gene: SMARCAL1 (SNF2 related chromatin remodeling annealing helicase 1; plus strand). Cytogenetic location: 2q35.
Variant type: Duplication.
Coding change: c.1936dup on transcript NM_014140.4 (MANE Select); coding-DNA position 1936, one base duplicated (C; older notation c.1936dupC).
Protein change: p.Leu646fs; shifts the reading frame from leucine 646.
Molecular consequence: frameshift variant.
Genome position (GRCh38, 1-based): chr2:216,450,930, C duplicated; the last of 2 consecutive C bases (chr2:216,450,929-216,450,930); duplicating either gives the same sequence. VCF-style (leftmost placement, unchanged base first): chr2-216450928-G-GC. GRCh37 (hg19) VCF-style: chr2-217315651-G-GC.
Other names: c.1936dup, p.Leu646fs (NM_001127207.2); short protein forms L646fs.
Identifiers: ClinVar variation 2763669 (VCV002763669.3), dbSNP rs2469017048, ClinGen allele CA2577238749.
Genomic context (GRCh38, chr2:216,450,928, plus strand): 5'-CAGGTTCCTCCAACCTGGGAGAGCTGAAGCTCCTGCTGGAGGAAGCAGTCATGCTGCGGC[G>GC]CCTCAAGTCCGACGTCCTTTCCCAGCTGCCTGCCAAGCAGCGCAAGATAGTGGTGATTGC-3'

ClinVar aggregate classification (germline): Pathogenic (1 of 4 stars; one submission).

Conditions:
Schimke immuno-osseous dysplasia (SIOD). Also called: Schimke Immunoosseous Dysplasia. Identifiers: Orphanet 1830, MedGen C0877024, MONDO:0009458, OMIM 242900.

Submission:

Labcorp Genetics (formerly Invitae), Labcorp
Classification: Pathogenic for Schimke immuno-osseous dysplasia. Last evaluated: 2023-10-05. Review status: criteria provided, single submitter. Criteria: Invitae Variant Classification Sherloc (09022015). Collection method: clinical testing. Allele origin: germline.
Comment: This sequence change creates a premature translational stop signal (p.Leu646Profs*46) in the SMARCAL1 gene. It is expected to result in an absent or disrupted protein product. Loss-of-function variants in SMARCAL1 are known to be pathogenic (PMID: 11799392, 20301550). This variant is not present in population databases (gnomAD no frequency). This variant has not been reported in the literature in individuals affected with SMARCAL1-related conditions. For these reasons, this variant has been classified as Pathogenic.

Literature cited by the submitters: PubMed 11799392; PubMed 20301550.